The following is an entry in ClinVar:

ClinVar aggregate classification (germline): Uncertain significance. Review status: criteria provided, single submitter (1 of 4 stars). 2 submissions from 2 submitters: Uncertain significance (1). 1 of the submissions does not count toward it. Last evaluated 2022-08-23.

Conditions:
Nemaline myopathy 2 (NEM2). Also called: Nemaline myopathy 2, autosomal recessive. Identifiers: MedGen C1850569, MONDO:0009725, OMIM 256030.

Submissions (2):

Labcorp Genetics (formerly Invitae), Labcorp
Classification: Uncertain significance for Nemaline myopathy 2. Last evaluated: 2022-08-23. Review status: criteria provided, single submitter. Criteria: Invitae Variant Classification Sherloc (09022015). Collection method: clinical testing. Allele origin: germline.
Comment: This sequence change replaces proline, which is neutral and non-polar, with alanine, which is neutral and non-polar, at codon 8404 of the NEB protein (p.Pro8404Ala). This variant is not present in population databases (gnomAD no frequency). This variant has not been reported in the literature in individuals affected with NEB-related conditions. ClinVar contains an entry for this variant (Variation ID: 959462). Algorithms developed to predict the effect of missense changes on protein structure and function are either unavailable or do not agree on the potential impact of this missense change (SIFT: "Deleterious"; PolyPhen-2: "Not Available"; Align-GVGD: "Class C0"). In summary, the available evidence is currently insufficient to determine the role of this variant in disease. Therefore, it has been classified as a Variant of Uncertain Significance.

Natera, Inc.
Classification: Uncertain significance for Nemaline myopathy type 2. Last evaluated: 2020-09-09. Review status: no assertion criteria provided. Collection method: clinical testing. Allele origin: germline. Not counted in ClinVar's aggregate classification.

NM_001164508.2(NEB):c.25105C>G (p.Pro8369Ala)

Genes: NEB (nebulin; minus strand), RIF1 (replication timing regulatory factor 1; plus strand). Cytogenetic location: 2q23.3.
Variant type: single nucleotide variant.
Coding change: c.25105C>G on transcript NM_001164508.2 (MANE Select); coding-DNA position 25105, C replaced by G.
Protein change: p.Pro8369Ala; replaces proline 8369 with alanine.
Molecular consequence: missense variant.
Genome position (GRCh38, 1-based): chr2:151,491,728, G>C on the plus strand (C>G on the coding strand, the complement: NEB is on the minus strand). VCF-style: chr2-151491728-G-C. GRCh37 (hg19) VCF-style: chr2-152348242-G-C.
Other names: c.25105C>G, p.Pro8369Ala (NM_001164507.2); c.25210C>G, p.Pro8404Ala (NM_001271208.2); c.19537C>G, p.Pro6513Ala (NM_004543.5); short protein forms P8404A, P6513A, P8369A.
Identifiers: ClinVar variation 959462 (VCV000959462.11), dbSNP rs1038960610, ClinGen allele CA348771687.